The following is an entry in ClinVar:

ClinVar aggregate classification (germline): Uncertain significance. Review status: criteria provided, multiple submitters, no conflicts (2 of 4 stars). 2 submissions from 2 submitters: Uncertain significance (2). Last evaluated 2025-08-22.

Conditions:
JAG1-related disorder. Also called: JAG1-related disorders; JAG1-related condition.

Allele frequency attached by ClinVar (database versions not stated): gnomAD exomes below 0.00001; gnomAD 0.00001.
gnomAD v4.1: 6 of 1,614,068 alleles (0.00037%); highest among the groups gnomAD compares: South Asian, 0.0055%; no homozygotes.

Submissions (2):

PreventionGenetics, part of Exact Sciences
Classification: Uncertain significance for JAG1-related condition. Last evaluated: 2025-08-22. Review status: criteria provided, single submitter. Criteria: ACMG Guidelines, 2015. Collection method: clinical testing. Allele origin: germline.
Comment: The JAG1 c.3456C>G variant is predicted to result in the amino acid substitution p.His1152Gln. To our knowledge, this variant has not been reported in the literature. This variant is reported in 0.0033% of alleles in individuals of South Asian descent in gnomAD. At this time, the clinical significance of this variant is uncertain due to the absence of conclusive functional and genetic evidence.

Blueprint Genetics
Classification: Uncertain significance. Last evaluated: 2024-01-17. Review status: criteria provided, single submitter. Criteria: ACMG Guidelines, 2015. Collection method: clinical testing. Allele origin: germline.

NM_000214.3(JAG1):c.3456C>G (p.His1152Gln)

Gene: JAG1 (jagged canonical Notch ligand 1; minus strand). Cytogenetic location: 20p12.2.
Variant type: single nucleotide variant.
Coding change: c.3456C>G on transcript NM_000214.3 (MANE Select); coding-DNA position 3456, C replaced by G.
Protein change: p.His1152Gln; replaces histidine 1152 with glutamine.
Molecular consequence: missense variant.
Genome position (GRCh38, 1-based): chr20:10,639,699, G>C on the plus strand (C>G on the coding strand, the complement: JAG1 is on the minus strand). VCF-style: chr20-10639699-G-C. GRCh37 (hg19) VCF-style: chr20-10620347-G-C.
Other names: short protein forms H1152Q.
Identifiers: ClinVar variation 2634505 (VCV002634505.3), dbSNP rs1392887430, ClinGen allele CA408242890.